The following is an entry in ClinVar:

NM_003060.4(SLC22A5):c.1347del (p.Val448_Tyr449insTer)

Gene: SLC22A5 (solute carrier family 22 member 5; plus strand). Cytogenetic location: 5q31.1.
Variant type: Deletion.
Coding change: c.1347del on transcript NM_003060.4 (MANE Select); coding-DNA position 1347, one base deleted (C; older notation c.1347delC).
Protein change: p.Val448_Tyr449insTer.
Molecular consequence: nonsense.
Genome position (GRCh38, 1-based): chr5:132,392,512, C deleted. VCF-style (leftmost placement, unchanged base first): chr5-132392511-AC-A. GRCh37 (hg19) VCF-style: chr5-131728203-AC-A.
Other names: c.1347delC (NM_003060.3); c.1419del, p.Val472_Tyr473insTer (NM_001308122.2).
Identifiers: ClinVar variation 2678783 (VCV002678783.5), dbSNP rs2532138401, ClinGen allele CA2695198744.

ClinVar aggregate classification (germline): Pathogenic/Likely pathogenic. Review status: criteria provided, multiple submitters, no conflicts (2 of 4 stars). 3 submissions from 3 submitters: Pathogenic (1); Likely pathogenic (2). Last evaluated 2025-03-04.

Conditions:
Carnitine deficiency. Identifiers: MedGen C1142132.
Renal carnitine transport defect (CDSP). Also called: Carnitine Deficiency, Systemic; Systemic primary carnitine deficiency; Carnitine transporter deficiency; Primary carnitine deficiency; Systemic primary carnitine deficiency disease; CARNITINE DEFICIENCY, SYSTEMIC, DUE TO DEFECT IN RENAL REABSORPTION OF CARNITINE. Identifiers: Orphanet 158, MedGen C0342788, MONDO:0008919, OMIM 212140.

Submissions (3):

Natera, Inc.
Classification: Likely pathogenic for Carnitine deficiency. Last evaluated: 2025-03-04. Review status: criteria provided, single submitter. Criteria: Natera Variant Classification Schema (03/2026). Collection method: clinical testing. Allele origin: germline.
Comment: The c.1347delC variant in SLC22A5 is a frameshift variant predicted to shift the reading frame and introduce a stop codon. This variant is expected to result in nonsense mediated decay, truncation, or a dysfunctional protein product. This variant is rare in the general population with a frequency below the threshold expected for the associated phenotype(s). Given the available evidence, this variant is classified as Likely Pathogenic.

Baylor Genetics
Classification: Likely pathogenic for Renal carnitine transport defect. Last evaluated: 2023-10-23. Review status: criteria provided, single submitter. Criteria: ACMG Guidelines, 2015. Collection method: clinical testing. Allele origin: unknown.

Labcorp Genetics (formerly Invitae), Labcorp
Classification: Pathogenic for Renal carnitine transport defect. Last evaluated: 2023-01-25. Review status: criteria provided, single submitter. Criteria: Invitae Variant Classification Sherloc (09022015). Collection method: clinical testing. Allele origin: germline.
Comment: For these reasons, this variant has been classified as Pathogenic. This variant has not been reported in the literature in individuals affected with SLC22A5-related conditions. This variant is not present in population databases (gnomAD no frequency). This sequence change creates a premature translational stop signal (p.Tyr449*) in the SLC22A5 gene. It is expected to result in an absent or disrupted protein product. Loss-of-function variants in SLC22A5 are known to be pathogenic (PMID: 9916797).

Literature cited by the submitters: PubMed 9916797 (cited by Labcorp Genetics (formerly Invitae), Labcorp).